The following is an entry in ClinVar:

NM_000883.4(IMPDH1):c.859C>T (p.Gln287Ter)

Gene: IMPDH1 (inosine monophosphate dehydrogenase 1; minus strand). Cytogenetic location: 7q32.1.
Variant type: single nucleotide variant.
Coding change: c.859C>T on transcript NM_000883.4 (MANE Select); coding-DNA position 859, C replaced by T.
Protein change: p.Gln287Ter; replaces glutamine 287 with a stop codon.
Molecular consequence: nonsense.
Genome position (GRCh38, 1-based): chr7:128,400,110, G>A on the plus strand (C>T on the coding strand, the complement: IMPDH1 is on the minus strand). VCF-style: chr7-128400110-G-A. GRCh37 (hg19) VCF-style: chr7-128040164-G-A.
Other names: c.829C>T, p.Gln277Ter (NM_001102605.2); c.604C>T, p.Gln202Ter (NM_001142573.2); c.589C>T, p.Gln197Ter (NM_001142574.2); c.529C>T, p.Gln177Ter (NM_001142575.2); c.760C>T, p.Gln254Ter (NM_001142576.2); c.652C>T, p.Gln218Ter (NM_001304521.2); c.751C>T, p.Gln251Ter (NM_183243.3); short protein forms Q287*, Q177*, Q202*, Q218*, Q197*, Q251*, Q254*, Q277*.
Identifiers: ClinVar variation 2810617 (VCV002810617.3), dbSNP rs982830278, ClinGen allele CA166127956.
Genomic context (GRCh38, chr7:128,400,110, plus strand): 5'-AGGGAGTCAGGCTGGGGGTTGAGTTTTCAACTAGCTCCCTGGTACCTTTCTTGCTACGCT[G>A]CAGGATCTCATTTGCCTCTTTCAACGTCACACCTGCTGGAGCCACCACCAGTTCAATCCT-3'

ClinVar aggregate classification (germline): Pathogenic (1 of 4 stars; one submission).

Allele frequency attached by ClinVar (database versions not stated): TOPMed below 0.00001; gnomAD 0.00001.

Submission:

Labcorp Genetics (formerly Invitae), Labcorp
Classification: Pathogenic. Last evaluated: 2022-10-29. Review status: criteria provided, single submitter. Criteria: Invitae Variant Classification Sherloc (09022015). Collection method: clinical testing. Allele origin: germline.
Comment: This variant has not been reported in the literature in individuals affected with IMPDH1-related conditions. This variant is not present in population databases (gnomAD no frequency). This sequence change creates a premature translational stop signal (p.Gln287*) in the IMPDH1 gene. It is expected to result in an absent or disrupted protein product. Loss-of-function variants in IMPDH1 are known to be pathogenic (PMID: 14981049, 33090715). Algorithms developed to predict the effect of sequence changes on RNA splicing suggest that this variant may disrupt the consensus splice site. For these reasons, this variant has been classified as Pathogenic.

Literature cited by the submitters: PubMed 14981049; PubMed 33090715.